The following is an entry in ClinVar:

ClinVar aggregate classification (germline): Uncertain significance (1 of 4 stars; one submission).

Conditions:
Kabuki syndrome. Also called: NIIKAWA-KUROKI SYNDROME; Kabuki make-up syndrome. Identifiers: Orphanet 2322, MedGen C0796004, MONDO:0016512.

Allele frequency attached by ClinVar (database versions not stated): TOPMed below 0.00001; gnomAD 0.00001.
gnomAD v4.1: 1 of 1,613,082 alleles (0.000062%); highest among the groups gnomAD compares: Non-Finnish European, 0.000085%; no homozygotes.

Submission:

Labcorp Genetics (formerly Invitae), Labcorp
Classification: Uncertain significance for Kabuki syndrome. Last evaluated: 2023-06-23. Review status: criteria provided, single submitter. Criteria: Invitae Variant Classification Sherloc (09022015). Collection method: clinical testing. Allele origin: germline.
Comment: In summary, the available evidence is currently insufficient to determine the role of this variant in disease. Therefore, it has been classified as a Variant of Uncertain Significance. Advanced modeling of protein sequence and biophysical properties (such as structural, functional, and spatial information, amino acid conservation, physicochemical variation, residue mobility, and thermodynamic stability) performed at Invitae indicates that this missense variant is not expected to disrupt KMT2D protein function. This variant has not been reported in the literature in individuals affected with KMT2D-related conditions. This variant is not present in population databases (gnomAD no frequency). This sequence change replaces proline, which is neutral and non-polar, with leucine, which is neutral and non-polar, at codon 619 of the KMT2D protein (p.Pro619Leu).

NM_003482.4(KMT2D):c.1856C>T (p.Pro619Leu)

Gene: KMT2D (lysine methyltransferase 2D; minus strand). Cytogenetic location: 12q13.12.
Variant type: single nucleotide variant.
Coding change: c.1856C>T on transcript NM_003482.4 (MANE Select); coding-DNA position 1856, C replaced by T.
Protein change: p.Pro619Leu; replaces proline 619 with leucine.
Molecular consequence: missense variant.
Genome position (GRCh38, 1-based): chr12:49,051,827, G>A on the plus strand (C>T on the coding strand, the complement: KMT2D is on the minus strand). VCF-style: chr12-49051827-G-A. GRCh37 (hg19) VCF-style: chr12-49445610-G-A.
Other names: short protein forms P619L.
Identifiers: ClinVar variation 2804906 (VCV002804906.3), dbSNP rs1431124702, ClinGen allele CA384670013.